The following is an entry in ClinVar:

ClinVar aggregate classification (germline): Pathogenic/Likely pathogenic. Review status: criteria provided, multiple submitters, no conflicts (2 of 4 stars). 4 submissions from 4 submitters: Pathogenic (1); Likely pathogenic (3). Last evaluated 2025-02-07.

Conditions:
Marfan Syndrome/Loeys-Dietz Syndrome/Familial Thoracic Aortic Aneurysms and Dissections. Identifiers: MedGen CN229799.
Familial thoracic aortic aneurysm and aortic dissection (TAAD). Also called: Thoracic aortic aneurysms and dissections. Identifiers: Orphanet 91387, MedGen C4707243, MONDO:0019625.
Marfan syndrome (MFS). Also called: Marfan syndrome type 1; Marfan's syndrome; Marfan syndrome, classic; MARFAN SYNDROME, TYPE I; FBN1-Related Marfan Syndrome. Identifiers: Orphanet 284963, Orphanet 558, MedGen C0024796, MONDO:0007947, OMIM 154700.

Submissions (4):

Ambry Genetics
Classification: Likely pathogenic for Familial thoracic aortic aneurysm and aortic dissection. Last evaluated: 2025-02-07. Review status: criteria provided, single submitter. Criteria: Ambry Variant Classification Scheme 2023. Collection method: clinical testing. Allele origin: germline.
Comment: The c.539-2A>G intronic variant results from an A to G substitution two nucleotides upstream from coding exon 6 in the FBN1 gene. Alterations that disrupt the canonical splice site are expected to result in aberrant splicing. In silico splice site analysis predicts that this alteration will weaken the native splice acceptor site and will result in the creation or strengthening of a novel splice acceptor site. A resulting transcript is predicted to be in-frame and is not expected to trigger nonsense-mediated mRNAdecay; although, direct evidence is unavailable. However, the region predicted to be impacted is critical for protein function (Ambry internal data). This variant was reported in individual(s) with features consistent with Marfan syndrome (Ambry internal data). This variant is considered to be rare based on population cohorts in the Genome Aggregation Database (gnomAD). This nucleotide position is highly conserved in available vertebrate species. Based on the majority of available evidence to date, this variant is likely to be pathogenic.

Labcorp Genetics (formerly Invitae), Labcorp
Classification: Pathogenic for Marfan syndrome; Familial thoracic aortic aneurysm and aortic dissection. Last evaluated: 2025-01-22. Review status: criteria provided, single submitter. Criteria: Invitae Variant Classification Sherloc (09022015). Collection method: clinical testing. Allele origin: germline.
Comment: This sequence change affects an acceptor splice site in intron 6 of the FBN1 gene. It is expected to disrupt RNA splicing. Variants that disrupt the donor or acceptor splice site typically lead to a loss of protein function (PMID: 16199547), and loss-of-function variants in FBN1 are known to be pathogenic (PMID: 17657824, 19293843). This variant is not present in population databases (gnomAD no frequency). Disruption of this splice site has been observed in individuals with clinical features of Marfan syndrome (PMID: 19293843; internal data). ClinVar contains an entry for this variant (Variation ID: 1177283). Algorithms developed to predict the effect of sequence changes on RNA splicing suggest that this variant may disrupt the consensus splice site. For these reasons, this variant has been classified as Pathogenic.

Mayo Clinic Laboratories, Mayo Clinic
Classification: Likely pathogenic. Last evaluated: 2022-04-19. Review status: criteria provided, single submitter. Criteria: ACMG Guidelines, 2015. Collection method: clinical testing. Allele origin: germline. Observed: 1 variant allele.
Comment: PM2, PVS1

Women's Health and Genetics/Laboratory Corporation of America, LabCorp
Classification: Likely pathogenic for Marfan Syndrome/Loeys-Dietz Syndrome/Familial Thoracic Aortic Aneurysms and Dissections. Last evaluated: 2021-07-01. Review status: criteria provided, single submitter. Criteria: LabCorp Variant Classification Summary - May 2015. Collection method: clinical testing. Allele origin: germline.
Comment: Variant summary: FBN1 c.539-2A>G is located in a canonical splice-site and is predicted to affect mRNA splicing resulting in a significantly altered protein due to either exon skipping, shortening, or inclusion of intronic material. Several computational tools predict a significant impact on normal splicing: Four predict the variant abolishes a 3' acceptor site and create a 3' acceptor site seven nucleotides downstream, resulting in a frameshift. However, these predictions have yet to be confirmed by functional studies. The variant was absent in 250722 control chromosomes. To our knowledge, no occurrence of c.539-2A>G in individuals affected with Marfan Syndrome and no experimental evidence demonstrating its impact on protein function have been reported. No clinical diagnostic laboratories have submitted clinical-significance assessments for this variant to ClinVar after 2014. Based on the evidence outlined above, the variant was classified as likely pathogenic.

Literature cited by the submitters: PubMed 16199547 (cited by Labcorp Genetics (formerly Invitae), Labcorp); PubMed 17657824 (cited by Labcorp Genetics (formerly Invitae), Labcorp); PubMed 19293843 (cited by Labcorp Genetics (formerly Invitae), Labcorp).

NM_000138.5(FBN1):c.539-2A>G

Gene: FBN1 (fibrillin 1; minus strand). Cytogenetic location: 15q21.1.
Variant type: single nucleotide variant.
Coding change: c.539-2A>G on transcript NM_000138.5 (MANE Select); the canonical splice acceptor site of the intron before coding-DNA position 539, A replaced by G.
Molecular consequence: splice acceptor variant.
Genome position (GRCh38, 1-based): chr15:48,537,810, T>C on the plus strand (A>G on the coding strand, the complement: FBN1 is on the minus strand). VCF-style: chr15-48537810-T-C. GRCh37 (hg19) VCF-style: chr15-48830007-T-C.
Other names: c.539-2A>G (NM_001406716.1, NM_001406717.1).
Identifiers: ClinVar variation 1177283 (VCV001177283.8), dbSNP rs2141358521, ClinGen allele CA392446207.